The following is an entry in ClinVar:

ClinVar aggregate classification (germline): Likely benign (0 of 4 stars; one submission).

Conditions:
DMBT1-related disorder. Also called: DMBT1-related condition.

Allele frequency attached by ClinVar (database versions not stated): gnomAD exomes 0.00004; gnomAD 0.00035; 1000 Genomes Project 30x 0.00047.
gnomAD v4.1: 46 of 567,484 alleles (0.0081%); highest among the groups gnomAD compares: African/African-American, 0.12%; no homozygotes.

Submission:

PreventionGenetics, part of Exact Sciences
Classification: Likely benign for DMBT1-related condition. Last evaluated: 2020-02-14. Review status: no assertion criteria provided. Collection method: clinical testing. Allele origin: germline.
Comment: This variant is classified as likely benign based on ACMG/AMP sequence variant interpretation guidelines (Richards et al. 2015 PMID: 25741868, with internal and published modifications).

NM_001377530.1(DMBT1):c.2907G>A (p.Thr969=)

Gene: DMBT1 (deleted in malignant brain tumors 1; plus strand). Cytogenetic location: 10q26.13.
Variant type: single nucleotide variant.
Coding change: c.2907G>A on transcript NM_001377530.1 (MANE Select); coding-DNA position 2907, G replaced by A.
Protein change: p.Thr969=; no amino-acid change (threonine 969 retained).
Molecular consequence: synonymous variant. On other transcripts: intron variant (1).
Genome position (GRCh38, 1-based): chr10:122,597,044, G>A. VCF-style: chr10-122597044-G-A. GRCh37 (hg19) VCF-style: chr10-124356560-G-A.
Other names: c.2907G>A, p.Thr969= (NM_001320644.2, NM_007329.3); c.2877G>A, p.Thr959= (NM_017579.3); c.1421-930G>A (NM_004406.3).
Identifiers: ClinVar variation 3051918 (VCV003051918.2), dbSNP rs1426277963, ClinGen allele CA471679133.